The following is an entry in ClinVar:

NM_001165963.4(SCN1A):c.1171-1G>A

Gene: SCN1A (sodium voltage-gated channel alpha subunit 1; minus strand). Cytogenetic location: 2q24.3.
Variant type: single nucleotide variant.
Coding change: c.1171-1G>A on transcript NM_001165963.4 (MANE Select); the canonical splice acceptor site of the intron before coding-DNA position 1171, G replaced by A.
Molecular consequence: splice acceptor variant.
Genome position (GRCh38, 1-based): chr2:166,046,977, C>T on the plus strand (G>A on the coding strand, the complement: SCN1A is on the minus strand). VCF-style: chr2-166046977-C-T. GRCh37 (hg19) VCF-style: chr2-166903487-C-T.
Other names: c.1171-1G>A (NM_001353949.2, NM_001353958.2, NM_001353950.2 and 10 more transcripts); c.-1255-1G>A (NM_001353961.2).
Identifiers: ClinVar variation 2446437 (VCV002446437.5), dbSNP rs2468182873, ClinGen allele CA349071055.
Genomic context (GRCh38, chr2:166,046,977, plus strand): 5'-GCCCAAGAAAATGACCAATACAAAAAATATCATGTACGTTTTCCCAGCAGCACGTAATGT[C>T]TGCAAACAAAAATATCAGAATTATTTCTCAATATTATTTCACTAAGTGGTGGCTTCAACT-3'

ClinVar aggregate classification (germline): Pathogenic/Likely pathogenic. Review status: criteria provided, multiple submitters, no conflicts (2 of 4 stars). 3 submissions from 3 submitters: Pathogenic (2); Likely pathogenic (1). Last evaluated 2025-03-18.

Conditions:
Early-infantile DEE. Also called: Early infantile epileptic encephalopathy with suppression bursts; Early infantile epileptic encephalopathy; Ohtahara syndrome. Identifiers: Orphanet 1934, MedGen C0393706, MONDO:0800491.
Developmental and epileptic encephalopathy 6B. Also called: Developmental and epileptic encephalopathy 6B, non-Dravet. Identifiers: MedGen C5543353, MONDO:0030268, OMIM 619317.
Severe myoclonic epilepsy in infancy (DRVT). Also called: SEVERE MYOCLONIC EPILEPSY OF INFANCY; DEVELOPMENTAL AND EPILEPTIC ENCEPHALOPATHY 6A; Severe Myoclonic Epilepsy in Infancy (SMEI); Dravet syndrome; Epileptic encephalopathy, early infantile, 6 (Dravet syndrome). Identifiers: Orphanet 33069, MedGen C0751122, MONDO:0100135, OMIM 607208.

Submissions (3):

Department of Human Genetics, Hannover Medical School
Classification: Pathogenic for Severe myoclonic epilepsy in infancy. Last evaluated: 2025-03-18. Review status: criteria provided, single submitter. Criteria: ACMG Guidelines, 2015. Collection method: clinical testing. Allele origin: germline. Affected: yes.
Comment: ClinGen VCEP: PVS1_Strong, PS4, PM2_Supporting, PM6

Labcorp Genetics (formerly Invitae), Labcorp
Classification: Pathogenic for Early-infantile DEE. Last evaluated: 2024-09-27. Review status: criteria provided, single submitter. Criteria: Invitae Variant Classification Sherloc (09022015). Collection method: clinical testing. Allele origin: germline.
Comment: This sequence change affects an acceptor splice site in intron 8 of the SCN1A gene. It is expected to disrupt RNA splicing. Variants that disrupt the donor or acceptor splice site typically lead to a loss of protein function (PMID: 16199547), and loss-of-function variants in SCN1A are known to be pathogenic (PMID: 17347258, 18930999). This variant is not present in population databases (gnomAD no frequency). Disruption of this splice site has been observed in individual(s) with Dravet syndrome (PMID: 28202706). In at least one individual the variant was observed to be de novo. ClinVar contains an entry for this variant (Variation ID: 2446437). Algorithms developed to predict the effect of sequence changes on RNA splicing suggest that this variant may disrupt the consensus splice site. For these reasons, this variant has been classified as Pathogenic.

Lifecell International Pvt. Ltd
Classification: Likely pathogenic for Developmental and epileptic encephalopathy 6B. Review status: criteria provided, single submitter. Criteria: ACMG Guidelines, 2015. Collection method: clinical testing. Allele origin: germline. Inheritance: Autosomal dominant inheritance. Affected: yes. Observed: 1 heterozygote.
Comment: A Heterozygous Splice site acceptor variant c.1171-1G>A in Exon 11 of the SCN1A gene that results in the amino acid substitution was identified. The observed variant is novel in gnomAD exomes and genomes. The severity of the impact of this variant on the protein is high, based on the effect of the protein and REVEL score. Rare Exome Variant Ensemble Learner (REVEL) is an ensembl method for predicting the pathogenicity of missense variants based on a combination of scores from 13 individual tools: MutPred, FATHMM v2.3, VEST 3.0, PolyPhen-2, SIFT, PROVEAN, MutationAssessor, MutationTaster, LRT, GERP++, SiPhy, phyloP, and phastCons. The REVEL score for an individual missense variant can range from 0 to 1, with higher scores reflecting greater likelihood that the variant is disease-causing. For these reasons, this variant has been classified as Likely Pathogenic.

Literature cited by the submitters: PubMed 16199547 (cited by Labcorp Genetics (formerly Invitae), Labcorp); PubMed 17347258 (cited by Labcorp Genetics (formerly Invitae), Labcorp); PubMed 18930999 (cited by Labcorp Genetics (formerly Invitae), Labcorp); PubMed 28202706 (cited by Labcorp Genetics (formerly Invitae), Labcorp).